The following is an entry in ClinVar:

ClinVar aggregate classification (germline): Benign/Likely benign. Review status: criteria provided, multiple submitters, no conflicts (2 of 4 stars). 5 submissions from 5 submitters: Benign (2); Likely benign (1). 2 of the submissions do not count toward it. Last evaluated 2026-02-01.

Conditions:
Seckel syndrome 7 (SCKL7). Identifiers: Orphanet 319675, MedGen C3553870, MONDO:0013922, OMIM 614851.
NIN-related disorder. Also called: NIN-related condition.

Allele frequency attached by ClinVar (database versions not stated): gnomAD exomes 0.00129 and 0.00324; ExAC 0.00399; 1000 Genomes Project 0.01138; 1000 Genomes Project 30x 0.01202; gnomAD 0.01367 and 0.01477; TOPMed 0.01495; ESP Exome Variant Server 0.01592.
gnomAD v4.1: 4,021 of 1,613,738 alleles (0.25%); highest among the groups gnomAD compares: African/African-American, 4.8%; 91 homozygotes.

Submissions (5):

Labcorp Genetics (formerly Invitae), Labcorp
Classification: Benign. Last evaluated: 2026-02-01. Review status: criteria provided, single submitter. Criteria: Invitae Variant Classification Sherloc (09022015). Collection method: clinical testing. Allele origin: germline.

Fulgent Genetics
Classification: Likely benign for Seckel syndrome 7. Last evaluated: 2022-05-11. Review status: criteria provided, single submitter. Criteria: ACMG Guidelines, 2015. Collection method: clinical testing. Allele origin: unknown.

Breakthrough Genomics
Classification: Benign. Review status: criteria provided, single submitter. Criteria: ACMG Guidelines, 2015. Collection method: not provided. Allele origin: germline. Inheritance: Autosomal recessive inheritance. Affected: yes.

PreventionGenetics, part of Exact Sciences
Classification: Benign for NIN-related condition. Last evaluated: 2019-10-16. Review status: no assertion criteria provided. Collection method: clinical testing. Allele origin: germline. Not counted in ClinVar's aggregate classification.
Comment: This variant is classified as benign based on ACMG/AMP sequence variant interpretation guidelines (Richards et al. 2015 PMID: 25741868, with internal and published modifications).

Genetic Services Laboratory, University of Chicago
Classification: Likely benign for AllHighlyPenetrant. Review status: no assertion criteria provided. Collection method: clinical testing. Allele origin: germline. Inheritance: Autosomal recessive inheritance. Not counted in ClinVar's aggregate classification.
Comment: Likely benign based on allele frequency in 1000 Genomes Project or ESP global frequency and its presence in a patient with a rare or unrelated disease phenotype. NOT Sanger confirmed.

NM_020921.4(NIN):c.1728G>A (p.Pro576=)

Gene: NIN (ninein; minus strand). Cytogenetic location: 14q22.1.
Variant type: single nucleotide variant.
Coding change: c.1728G>A on transcript NM_020921.4 (MANE Select); coding-DNA position 1728, G replaced by A.
Protein change: p.Pro576=; no amino-acid change (proline 576 retained).
Molecular consequence: synonymous variant.
Genome position (GRCh38, 1-based): chr14:50,763,872, C>T on the plus strand (G>A on the coding strand, the complement: NIN is on the minus strand). VCF-style: chr14-50763872-C-T. GRCh37 (hg19) VCF-style: chr14-51230590-C-T.
Other names: c.1728G>A, p.Pro576= (NM_016350.5, NM_182944.3, NM_182946.2).
Identifiers: ClinVar variation 129780 (VCV000129780.19), dbSNP rs61755036, ClinGen allele CA154075.